The following is an entry in ClinVar:

ClinVar aggregate classification (germline): Uncertain significance. Review status: criteria provided, multiple submitters, no conflicts (2 of 4 stars). 2 submissions from 2 submitters: Uncertain significance (2). Last evaluated 2024-04-02.

Conditions:
Familial cancer of breast. Also called: BREAST CANCER, FAMILIAL; Hereditary breast cancer; hereditary breast carcinoma. Identifiers: Orphanet 227535, MedGen C0346153, MONDO:0016419, OMIM 114480. Disease mechanism: loss of function.
Hereditary cancer-predisposing syndrome. Also called: Neoplastic Syndromes, Hereditary; Tumor predisposition; Hereditary Cancer Syndrome; Hereditary neoplastic syndrome. Identifiers: Orphanet 140162, MedGen C0027672, MeSH D009386, MONDO:0015356.

Submissions (2):

Labcorp Genetics (formerly Invitae), Labcorp
Classification: Uncertain significance for Familial cancer of breast. Last evaluated: 2024-04-02. Review status: criteria provided, single submitter. Criteria: Invitae Variant Classification Sherloc (09022015). Collection method: clinical testing. Allele origin: germline.
Comment: This sequence change replaces serine, which is neutral and polar, with cysteine, which is neutral and slightly polar, at codon 605 of the PALB2 protein (p.Ser605Cys). This variant is not present in population databases (gnomAD no frequency). This variant has not been reported in the literature in individuals affected with PALB2-related conditions. ClinVar contains an entry for this variant (Variation ID: 820129). Advanced modeling of protein sequence and biophysical properties (such as structural, functional, and spatial information, amino acid conservation, physicochemical variation, residue mobility, and thermodynamic stability) performed at Invitae indicates that this missense variant is expected to disrupt PALB2 protein function with a positive predictive value of 80%. In summary, the available evidence is currently insufficient to determine the role of this variant in disease. Therefore, it has been classified as a Variant of Uncertain Significance.

Ambry Genetics
Classification: Uncertain significance for Hereditary cancer-predisposing syndrome. Last evaluated: 2018-03-08. Review status: criteria provided, single submitter. Criteria: Ambry Variant Classification Scheme 2023. Collection method: clinical testing. Allele origin: germline.
Comment: The p.S605C variant (also known as c.1814C>G), located in coding exon 5 of the PALB2 gene, results from a C to G substitution at nucleotide position 1814. The serine at codon 605 is replaced by cysteine, an amino acid with dissimilar properties. This amino acid position is well conserved in available vertebrate species. In addition, this alteration is predicted to be tolerated by in silico analysis. Since supporting evidence is limited at this time, the clinical significance of this alteration remains unclear.

NM_024675.4(PALB2):c.1814C>G (p.Ser605Cys)

Gene: PALB2 (partner and localizer of BRCA2; minus strand). Cytogenetic location: 16p12.2.
Variant type: single nucleotide variant.
Coding change: c.1814C>G on transcript NM_024675.4 (MANE Select); coding-DNA position 1814, C replaced by G.
Protein change: p.Ser605Cys; replaces serine 605 with cysteine.
Molecular consequence: missense variant.
Genome position (GRCh38, 1-based): chr16:23,630,340, G>C on the plus strand (C>G on the coding strand, the complement: PALB2 is on the minus strand). VCF-style: chr16-23630340-G-C. GRCh37 (hg19) VCF-style: chr16-23641661-G-C.
Other names: short protein forms S605C.
Identifiers: ClinVar variation 820129 (VCV000820129.7), dbSNP rs876658992, ClinGen allele CA395127990.